The following is an entry in ClinVar:

NM_000784.4(CYP27A1):c.680G>A (p.Gly227Asp)

Gene: CYP27A1 (cytochrome P450 family 27 subfamily A member 1; plus strand). Cytogenetic location: 2q35.
Variant type: single nucleotide variant.
Coding change: c.680G>A on transcript NM_000784.4 (MANE Select); coding-DNA position 680, G replaced by A.
Protein change: p.Gly227Asp; replaces glycine 227 with aspartic acid.
Molecular consequence: missense variant.
Genome position (GRCh38, 1-based): chr2:218,812,585, G>A. VCF-style: chr2-218812585-G-A. GRCh37 (hg19) VCF-style: chr2-219677308-G-A.
Other names: short protein forms G227D.
Identifiers: ClinVar variation 4869573 (VCV004869573.1).
Genomic context (GRCh38, chr2:218,812,585, plus strand): 5'-CTGTGATGGCCTCTGTGCACTACTCAGCTATTTGCTACATCCTGTTCGAGAAACGCATTG[G>A]CTGCCTGCAGCGATCCATCCCCGAGGACACCGTGACCTTCGTCAGATCCATCGGGTTAAT-3'
Protein context (NP_000775.1, residues 217-237): ICYILFEKRI[Gly227Asp]CLQRSIPEDT

ClinVar aggregate classification (germline): Uncertain significance (1 of 4 stars; one submission).

Conditions:
Cardiovascular phenotype. Identifiers: MedGen CN230736.

Submission:

Ambry Genetics
Classification: Uncertain significance for Cardiovascular phenotype. Last evaluated: 2026-04-14. Review status: criteria provided, single submitter. Criteria: Ambry Variant Classification Scheme 2023. Collection method: clinical testing. Allele origin: germline.
Comment: The p.G227D variant (also known as c.680G>A), located in coding exon 4 of the CYP27A1 gene, results from a G to A substitution at nucleotide position 680. The glycine at codon 227 is replaced by aspartic acid, an amino acid with similar properties. This amino acid position is conserved. In addition, this alteration is predicted to be deleterious by in silico analysis. Based on the available evidence, the clinical significance of this variant remains unclear.